The following is an entry in ClinVar:

NM_015629.4(PRPF31):c.557G>T (p.Arg186Leu)

Genes: PRPF31 (pre-mRNA processing factor 31; plus strand), PRPF31-AS1 (PRPF31 antisense RNA 1; minus strand). Cytogenetic location: 19q13.42.
Variant type: single nucleotide variant.
Coding change: c.557G>T on transcript NM_015629.4 (MANE Select); coding-DNA position 557, G replaced by T.
Protein change: p.Arg186Leu; replaces arginine 186 with leucine.
Molecular consequence: missense variant.
Genome position (GRCh38, 1-based): chr19:54,123,778, G>T. VCF-style: chr19-54123778-G-T. GRCh37 (hg19) VCF-style: chr19-54627157-G-T.
Other names: short protein forms R186L.
Identifiers: ClinVar variation 451705 (VCV000451705.2), dbSNP rs776437225, ClinGen allele CA407750498.

ClinVar aggregate classification (germline): Uncertain significance (1 of 4 stars; one submission).

gnomAD v4.1: 1 of 1,610,944 alleles (0.000062%); highest among the groups gnomAD compares: African/African-American, 0.0013%; no homozygotes.

Submission:

GeneDx
Classification: Uncertain significance. Last evaluated: 2018-03-10. Review status: criteria provided, single submitter. Criteria: GeneDx Variant Classification (06012015). Collection method: clinical testing. Allele origin: germline. Affected: yes.
Comment: The R186L variant in the PRPF31 gene has not been reported previously as a pathogenic variant, nor as a benign variant, to our knowledge. The R186L variant is not observed in large population cohorts (Lek et al., 2016; 1000 Genomes Consortium et al., 2015; Exome Variant Server). The R186L variant is a non-conservative amino acid substitution, which is likely to impact secondary protein structure as these residues differ in polarity, charge, size and/or other properties. This substitution occurs at a position that is conserved in mammals. In silico analysis predicts this variant is probably damaging to the protein structure/function. We interpret R186L as a variant of uncertain significance